The following is an entry in ClinVar:

NC_000012.12:g.121641182G>A

Gene: ORAI1 (ORAI calcium release-activated calcium modulator 1; plus strand). Cytogenetic location: 12q24.31.
Variant type: single nucleotide variant.
Genome position: GRCh38 VCF-style: chr12-121641182-G-A. GRCh37 (hg19) VCF-style: chr12-122079088-G-A.
Other names: c.445G>A, p.Glu149Lys (NM_032790.4); short protein forms E149K.
Identifiers: ClinVar variation 1985986 (VCV001985986.4), dbSNP rs2503543251, ClinGen allele CA386983146.

ClinVar aggregate classification (germline): Uncertain significance (1 of 4 stars; one submission).

Conditions:
Myopathy, tubular aggregate, 2 (TAM2). Identifiers: MedGen C4014557, MONDO:0014383, OMIM 615883.
Combined immunodeficiency due to ORAI1 deficiency. Also called: IMMUNODEFICIENCY 9. Identifiers: Orphanet 169090, Orphanet 317428, MedGen C2748568, MONDO:0013007, OMIM 612782.

Allele frequency attached by ClinVar (database versions not stated): gnomAD exomes below 0.00001.

Submission:

Labcorp Genetics (formerly Invitae), Labcorp
Classification: Uncertain significance for Myopathy, tubular aggregate, 2; Combined immunodeficiency due to ORAI1 deficiency. Last evaluated: 2022-10-08. Review status: criteria provided, single submitter. Criteria: Invitae Variant Classification Sherloc (09022015). Collection method: clinical testing. Allele origin: germline.
Comment: Experimental studies have shown that this missense change affects ORAI1 function (PMID: 33361160). Algorithms developed to predict the effect of variants on protein structure and function are not available or were not evaluated for this variant. This variant has not been reported in the literature in individuals affected with ORAI1-related conditions. This variant is not present in population databases (gnomAD no frequency). This sequence change replaces glutamic acid, which is acidic and polar, with lysine, which is basic and polar, at codon 149 of the ORAI1 protein (p.Glu149Lys). In summary, the available evidence is currently insufficient to determine the role of this variant in disease. Therefore, it has been classified as a Variant of Uncertain Significance.

Literature cited by the submitters: PubMed 33361160.